The following is an entry in ClinVar:

NM_000426.4(LAMA2):c.1712A>G (p.Asn571Ser)

Gene: LAMA2 (laminin subunit alpha 2; plus strand). Cytogenetic location: 6q22.33.
Variant type: single nucleotide variant.
Coding change: c.1712A>G on transcript NM_000426.4 (MANE Select); coding-DNA position 1712, A replaced by G.
Protein change: p.Asn571Ser; replaces asparagine 571 with serine.
Molecular consequence: missense variant.
Genome position (GRCh38, 1-based): chr6:129,192,783, A>G. VCF-style: chr6-129192783-A-G. GRCh37 (hg19) VCF-style: chr6-129513928-A-G.
Other names: c.1712A>G, p.Asn571Ser (NM_001079823.2); c.1712A>G (NM_000426.3); short protein forms N571S.
Identifiers: ClinVar variation 1371981 (VCV001371981.8), dbSNP rs2115037058, ClinGen allele CA365608305.

ClinVar aggregate classification (germline): Uncertain significance. Review status: criteria provided, multiple submitters, no conflicts (2 of 4 stars). 2 submissions from 2 submitters: Uncertain significance (2). Last evaluated 2023-03-10.

Conditions:
LAMA2-related muscular dystrophy (LAMA2-RD). Also called: Laminin alpha 2-related dystrophy. Identifiers: MedGen C5679788, MONDO:0100228.

Submissions (2):

Revvity Omics, Revvity
Classification: Uncertain significance. Last evaluated: 2023-03-10. Review status: criteria provided, single submitter. Criteria: ACMG Guidelines, 2015. Collection method: clinical testing. Allele origin: germline.

Labcorp Genetics (formerly Invitae), Labcorp
Classification: Uncertain significance for LAMA2-related muscular dystrophy. Last evaluated: 2022-07-30. Review status: criteria provided, single submitter. Criteria: Invitae Variant Classification Sherloc (09022015). Collection method: clinical testing. Allele origin: germline.
Comment: Advanced modeling of protein sequence and biophysical properties (such as structural, functional, and spatial information, amino acid conservation, physicochemical variation, residue mobility, and thermodynamic stability) performed at Invitae indicates that this missense variant is not expected to disrupt LAMA2 protein function. ClinVar contains an entry for this variant (Variation ID: 1371981). This variant has not been reported in the literature in individuals affected with LAMA2-related conditions. This variant is not present in population databases (gnomAD no frequency). This sequence change replaces asparagine, which is neutral and polar, with serine, which is neutral and polar, at codon 571 of the LAMA2 protein (p.Asn571Ser). In summary, the available evidence is currently insufficient to determine the role of this variant in disease. Therefore, it has been classified as a Variant of Uncertain Significance.